The following is an entry in ClinVar:

ClinVar aggregate classification (germline): Uncertain significance. Review status: criteria provided, multiple submitters, no conflicts (2 of 4 stars). 2 submissions from 2 submitters: Uncertain significance (2). Last evaluated 2024-10-04.

Conditions:
Brugada syndrome 8 (BRGDA8). Identifiers: Orphanet 130, MedGen C2751083, MONDO:0013148, OMIM 613123.
Cardiovascular phenotype. Identifiers: MedGen CN230736.

Allele frequency attached by ClinVar (database versions not stated): gnomAD 0.00001; TOPMed 0.00001.
gnomAD v4.1: 8 of 1,606,046 alleles (0.0005%); highest among the groups gnomAD compares: East Asian, 0.0022%; no homozygotes.

Submissions (2):

Labcorp Genetics (formerly Invitae), Labcorp
Classification: Uncertain significance for Brugada syndrome 8. Last evaluated: 2024-10-04. Review status: criteria provided, single submitter. Criteria: Invitae Variant Classification Sherloc (09022015). Collection method: clinical testing. Allele origin: germline.
Comment: This sequence change replaces alanine, which is neutral and non-polar, with valine, which is neutral and non-polar, at codon 756 of the HCN4 protein (p.Ala756Val). The frequency data for this variant in the population databases is considered unreliable, as metrics indicate poor data quality at this position in the gnomAD database. This variant has not been reported in the literature in individuals affected with HCN4-related conditions. ClinVar contains an entry for this variant (Variation ID: 1481284). Invitae Evidence Modeling of protein sequence and biophysical properties (such as structural, functional, and spatial information, amino acid conservation, physicochemical variation, residue mobility, and thermodynamic stability) indicates that this missense variant is not expected to disrupt HCN4 protein function with a negative predictive value of 95%. In summary, the available evidence is currently insufficient to determine the role of this variant in disease. Therefore, it has been classified as a Variant of Uncertain Significance.

Ambry Genetics
Classification: Uncertain significance for Cardiovascular phenotype. Last evaluated: 2023-08-25. Review status: criteria provided, single submitter. Criteria: Ambry Variant Classification Scheme 2023. Collection method: clinical testing. Allele origin: germline.
Comment: The p.A756V variant (also known as c.2267C>T), located in coding exon 8 of the HCN4 gene, results from a C to T substitution at nucleotide position 2267. The alanine at codon 756 is replaced by valine, an amino acid with similar properties. This amino acid position is well conserved in available vertebrate species. In addition, this alteration is predicted to be tolerated by in silico analysis. Since supporting evidence is limited at this time, the clinical significance of this alteration remains unclear.

NM_005477.3(HCN4):c.2267C>T (p.Ala756Val)

Gene: HCN4 (hyperpolarization activated cyclic nucleotide gated potassium channel 4; minus strand). Cytogenetic location: 15q24.1.
Variant type: single nucleotide variant.
Coding change: c.2267C>T on transcript NM_005477.3 (MANE Select); coding-DNA position 2267, C replaced by T.
Protein change: p.Ala756Val; replaces alanine 756 with valine.
Molecular consequence: missense variant.
Genome position (GRCh38, 1-based): chr15:73,323,826, G>A on the plus strand (C>T on the coding strand, the complement: HCN4 is on the minus strand). VCF-style: chr15-73323826-G-A. GRCh37 (hg19) VCF-style: chr15-73616167-G-A.
Other names: c.2267C>T (NM_005477.2); short protein forms A756V.
Identifiers: ClinVar variation 1481284 (VCV001481284.7), dbSNP rs745617328, ClinGen allele CA393089220.
Genomic context (GRCh38, chr15:73,323,826, plus strand): 5'-GGGGTCCAGATGACGGGCGTGGGGGTTGGGGTGGCAGAGGCAGCAGCCTGGACGCGGTGC[G>A]CGCAGTGGGCCATCTCCCGGTCATGCTGCACAATCTGCTGGATGATCTCATTCTCCTGGT-3'
Protein context (NP_005468.1, residues 746-766): VQHDREMAHC[Ala756Val]HRVQAAASAT